The following is an entry in ClinVar:

ClinVar aggregate classification (germline): Likely benign. Review status: criteria provided, multiple submitters, no conflicts (2 of 4 stars). 3 submissions from 3 submitters: Likely benign (2). 1 of the submissions does not count toward it. Last evaluated 2024-12-23.

Conditions:
X-linked Alport syndrome (ATS1). Also called: NEPHROPATHY AND DEAFNESS, X-LINKED; COL4A5-Related Nephropathy. Identifiers: Orphanet 63, Orphanet 88917, MedGen C4746986, MONDO:0010520, OMIM 301050.
COL4A5-related disorder. Also called: COL4A5-related condition.

Submissions (3):

PreventionGenetics, part of Exact Sciences
Classification: Likely benign for COL4A5-related condition. Last evaluated: 2024-12-23. Review status: criteria provided, single submitter. Criteria: ACMG Guidelines, 2015. Collection method: clinical testing. Allele origin: germline.
Comment: This variant is classified as likely benign based on ACMG/AMP sequence variant interpretation guidelines (Richards et al. 2015 PMID: 25741868, with internal and published modifications).

Labcorp Genetics (formerly Invitae), Labcorp
Classification: Likely benign. Last evaluated: 2023-02-20. Review status: criteria provided, single submitter. Criteria: Invitae Variant Classification Sherloc (09022015). Collection method: clinical testing. Allele origin: germline.

Natera, Inc.
Classification: Uncertain significance for X-linked Alport syndrome. Last evaluated: 2025-04-22. Review status: no assertion criteria provided. Collection method: clinical testing. Allele origin: germline. Not counted in ClinVar's aggregate classification.

NM_033380.3(COL4A5):c.276+8G>C

Gene: COL4A5 (collagen type IV alpha 5 chain; plus strand). Cytogenetic location: Xq22.3.
Variant type: single nucleotide variant.
Coding change: c.276+8G>C on transcript NM_033380.3 (MANE Select); 8 bases into the intron after coding-DNA position 276, G replaced by C.
Molecular consequence: intron variant.
Genome position (GRCh38, 1-based): chrX:108,563,934, G>C. VCF-style: chrX-108563934-G-C. GRCh37 (hg19) VCF-style: chrX-107807164-G-C.
Other names: c.276+8G>C (NM_000495.5, NM_000495.4).
Identifiers: ClinVar variation 2839164 (VCV002839164.5), dbSNP rs2524179853, ClinGen allele CA2739273681.
Genomic context (GRCh38, chrX:108,563,934, plus strand): 5'-TTTTTCAGGGTGATGATGGAATTCCAGGGCCACCAGGACCAAAAGGAATCAGAGTAAGTA[G>C]TATTTTCTCTATATCAAATACTTTGTTGGTGGAAACAGATAGAGAACAAATGAAGTATTA-3'